The following is an entry in ClinVar:

NM_001122752.2(SERPINI1):c.367G>A (p.Glu123Lys)

Gene: SERPINI1 (serpin family I member 1; plus strand). Cytogenetic location: 3q26.1.
Variant type: single nucleotide variant.
Coding change: c.367G>A on transcript NM_001122752.2 (MANE Select); coding-DNA position 367, G replaced by A.
Protein change: p.Glu123Lys; replaces glutamic acid 123 with lysine.
Molecular consequence: missense variant.
Genome position (GRCh38, 1-based): chr3:167,790,488, G>A. VCF-style: chr3-167790488-G-A. GRCh37 (hg19) VCF-style: chr3-167508276-G-A.
Other names: c.367G>A, p.Glu123Lys (NM_005025.5); short protein forms E123K.
Identifiers: ClinVar variation 3605984 (VCV003605984.2).

ClinVar aggregate classification (germline): Uncertain significance (1 of 4 stars; one submission).

Conditions:
Familial encephalopathy with neuroserpin inclusion bodies. Also called: ENCEPHALOPATHY, FAMILIAL, WITH COLLINS BODIES. Identifiers: Orphanet 85110, MedGen C1858680, MONDO:0011412, OMIM 604218.

Submission:

Labcorp Genetics (formerly Invitae), Labcorp
Classification: Uncertain significance for Familial encephalopathy with neuroserpin inclusion bodies. Last evaluated: 2024-11-09. Review status: criteria provided, single submitter. Criteria: Invitae Variant Classification Sherloc (09022015). Collection method: clinical testing. Allele origin: germline.
Comment: This sequence change replaces glutamic acid, which is acidic and polar, with lysine, which is basic and polar, at codon 123 of the SERPINI1 protein (p.Glu123Lys). This variant is not present in population databases (gnomAD no frequency). This variant has not been reported in the literature in individuals affected with SERPINI1-related conditions. Invitae Evidence Modeling of protein sequence and biophysical properties (such as structural, functional, and spatial information, amino acid conservation, physicochemical variation, residue mobility, and thermodynamic stability) indicates that this missense variant is not expected to disrupt SERPINI1 protein function with a negative predictive value of 80%. In summary, the available evidence is currently insufficient to determine the role of this variant in disease. Therefore, it has been classified as a Variant of Uncertain Significance.